The following is an entry in ClinVar:

ClinVar aggregate classification (germline): Uncertain significance (1 of 4 stars; one submission).

Conditions:
Nemaline myopathy 10 (NEM10). Identifiers: MedGen C4015360, MONDO:0014513, OMIM 616165.

gnomAD v4.1: 6 of 1,562,208 alleles (0.00038%); highest among the groups gnomAD compares: Non-Finnish European, 0.00052%; no homozygotes.

Submission:

Labcorp Genetics (formerly Invitae), Labcorp
Classification: Uncertain significance for Nemaline myopathy 10. Last evaluated: 2022-03-09. Review status: criteria provided, single submitter. Criteria: Invitae Variant Classification Sherloc (09022015). Collection method: clinical testing. Allele origin: germline.
Comment: In summary, the available evidence is currently insufficient to determine the role of this variant in disease. Therefore, it has been classified as a Variant of Uncertain Significance. Algorithms developed to predict the effect of missense changes on protein structure and function (SIFT, PolyPhen-2, Align-GVGD) all suggest that this variant is likely to be tolerated. ClinVar contains an entry for this variant (Variation ID: 947276). This variant has not been reported in the literature in individuals affected with LMOD3-related conditions. This variant is not present in population databases (gnomAD no frequency). This sequence change replaces threonine, which is neutral and polar, with arginine, which is basic and polar, at codon 169 of the LMOD3 protein (p.Thr169Arg).

NM_198271.5(LMOD3):c.506C>G (p.Thr169Arg)

Gene: LMOD3 (leiomodin 3; minus strand). Cytogenetic location: 3p14.1.
Variant type: single nucleotide variant.
Coding change: c.506C>G on transcript NM_198271.5 (MANE Select); coding-DNA position 506, C replaced by G.
Protein change: p.Thr169Arg; replaces threonine 169 with arginine.
Molecular consequence: missense variant.
Genome position (GRCh38, 1-based): chr3:69,119,849, G>C on the plus strand (C>G on the coding strand, the complement: LMOD3 is on the minus strand). VCF-style: chr3-69119849-G-C. GRCh37 (hg19) VCF-style: chr3-69169000-G-C.
Other names: c.506C>G, p.Thr169Arg (NM_001304418.3); short protein forms T169R.
Identifiers: ClinVar variation 947276 (VCV000947276.6), dbSNP rs181564355, ClinGen allele CA353476255.